The following is an entry in ClinVar:

NM_003659.4(AGPS):c.638-256A>G

Gene: AGPS (alkylglycerone phosphate synthase; plus strand). Cytogenetic location: 2q31.2.
Variant type: single nucleotide variant.
Coding change: c.638-256A>G on transcript NM_003659.4 (MANE Select); 256 bases into the intron before coding-DNA position 638, A replaced by G.
Molecular consequence: intron variant.
Genome position (GRCh38, 1-based): chr2:177,440,709, A>G. VCF-style: chr2-177440709-A-G. GRCh37 (hg19) VCF-style: chr2-178305437-A-G.
Identifiers: ClinVar variation 683756 (VCV000683756.1), dbSNP rs6732250, ClinGen allele CA11091553.

ClinVar aggregate classification (germline): Benign (1 of 4 stars; one submission).

Allele frequency attached by ClinVar (database versions not stated): TOPMed 0.85874; gnomAD 0.85918 and 0.86240; 1000 Genomes Project 0.88518; 1000 Genomes Project 30x 0.88601.
gnomAD v4.1: 131,225 of 152,072 alleles (86%); highest among the groups gnomAD compares: East Asian, 95%; 56,827 homozygotes.

Submission:

GeneDx
Classification: Benign. Last evaluated: 2018-06-14. Review status: criteria provided, single submitter. Criteria: GeneDx Variant Classification (06012015). Collection method: clinical testing. Allele origin: germline. Affected: yes.
Comment: This variant is considered likely benign or benign based on one or more of the following criteria: it is a conservative change, it occurs at a poorly conserved position in the protein, it is predicted to be benign by multiple in silico algorithms, and/or has population frequency not consistent with disease.